The following is an entry in ClinVar:

ClinVar aggregate classification (germline): Likely pathogenic. Review status: criteria provided, multiple submitters, no conflicts (2 of 4 stars). 2 submissions from 2 submitters: Likely pathogenic (2). Last evaluated 2025-07-18.

Conditions:
Intellectual developmental disorder, X-linked, syndromic, Snyder-Robinson type. Also called: Spermine synthase deficiency; X-linked mental retardation Snyder - Robinson type; SNYDER-ROBINSON MENTAL RETARDATION SYNDROME; Syndromic X-linked intellectual disability Snyder type. Identifiers: Orphanet 3063, MedGen C0796160, MONDO:0010664, OMIM 309583.

Submissions (2):

OLLIN Analises Genomicas, OLLIN
Classification: Likely pathogenic for Intellectual developmental disorder, X-linked, syndromic, Snyder-Robinson type. Last evaluated: 2025-07-18. Review status: criteria provided, single submitter. Criteria: ACMG Guidelines 2015 PMID 25741868. Collection method: clinical testing. Allele origin: germline. Affected: yes. Observed: 1 variant allele.
Comment: The missense variant (chrX:21978041T>C), located in exon 6 (of 11), absent in gnomAD v4.1 non-UKB, is reported in ClinVar (VCV000981630.1) and in the scientific literature in individuals with intellectual developmental disorder (PMID: 33624935). This variant is in a known mutational hotspot, and in silico analysis predicts that it has a deleterious effect. According to currently available evidence, this variant has been classified as likely pathogenic (PM1, PM2_P, PM3, PP2, PP3_S).

National Institute of Neuroscience, National Center of Neurology and Psychiatry
Classification: Likely pathogenic for Intellectual developmental disorder, X-linked, syndromic, Snyder-Robinson type. Review status: criteria provided, single submitter. Criteria: ACMG Guidelines, 2015. Collection method: research. Allele origin: maternal. Affected: yes. Observed: 2 variant alleles.

Literature cited by the submitters: PubMed 33624935 (cited by OLLIN Analises Genomicas, OLLIN and National Institute of Neuroscience, National Center of Neurology and Psychiatry).

NM_004595.5(SMS):c.587T>C (p.Ile196Thr)

Gene: SMS (spermine synthase; plus strand). Cytogenetic location: Xp22.11.
Variant type: single nucleotide variant.
Coding change: c.587T>C on transcript NM_004595.5 (MANE Select); coding-DNA position 587, T replaced by C.
Protein change: p.Ile196Thr; replaces isoleucine 196 with threonine.
Molecular consequence: missense variant.
Genome position (GRCh38, 1-based): chrX:21,978,041, T>C. VCF-style: chrX-21978041-T-C. GRCh37 (hg19) VCF-style: chrX-21996159-T-C.
Other names: c.428T>C, p.Ile143Thr (NM_001258423.2); short protein forms I143T, I196T.
Identifiers: ClinVar variation 981630 (VCV000981630.2), dbSNP rs1924648986, ClinGen allele CA412568783.
Genomic context (GRCh38, chrX:21,978,041, plus strand): 5'-CATATACCCGGGCCATCATGGGCAGTGGCAAAGAAGATTACACTGGCAAAGATGTACTCA[T>C]TCTGGGAGGTGGAGACGGAGGCATATTGTGTGAAATAGTCAAACTAAAACCAAAGATGGT-3'
Protein context (NP_004586.2, residues 186-206): KEDYTGKDVL[Ile196Thr]LGGGDGGILC